The following is an entry in ClinVar:

NM_001382347.1(MYO5A):c.3532C>T (p.Arg1178Cys)

Gene: MYO5A (myosin VA; minus strand). Cytogenetic location: 15q21.2.
Variant type: single nucleotide variant.
Coding change: c.3532C>T on transcript NM_001382347.1 (MANE Select); coding-DNA position 3532, C replaced by T.
Protein change: p.Arg1178Cys; replaces arginine 1178 with cysteine.
Molecular consequence: missense variant.
Genome position (GRCh38, 1-based): chr15:52,353,906, G>A on the plus strand (C>T on the coding strand, the complement: MYO5A is on the minus strand). VCF-style: chr15-52353906-G-A. GRCh37 (hg19) VCF-style: chr15-52646103-G-A.
Other names: c.3532C>T, p.Arg1178Cys (NM_000259.3, NM_001142495.2, NM_001411135.1); c.3604C>T, p.Arg1202Cys (NM_001382348.1, NM_001382349.1); short protein forms R1178C, R1202C.
Identifiers: ClinVar variation 2144476 (VCV002144476.6), dbSNP rs767451086, ClinGen allele CA7568404.

ClinVar aggregate classification (germline): Uncertain significance. Review status: criteria provided, multiple submitters, no conflicts (2 of 4 stars). 2 submissions from 2 submitters: Uncertain significance (2). Last evaluated 2023-09-11.

Conditions:
Inborn genetic diseases. Identifiers: MedGen C0950123, MeSH D030342.

Allele frequency attached by ClinVar (database versions not stated): TOPMed below 0.00001; ExAC 0.00001; gnomAD exomes 0.00001.
gnomAD v4.1: 11 of 1,614,126 alleles (0.00068%); highest among the groups gnomAD compares: East Asian, 0.0022%; no homozygotes.

Submissions (2):

Labcorp Genetics (formerly Invitae), Labcorp
Classification: Uncertain significance. Last evaluated: 2023-09-11. Review status: criteria provided, single submitter. Criteria: Invitae Variant Classification Sherloc (09022015). Collection method: clinical testing. Allele origin: germline.
Comment: The frequency data for this variant in the population databases is considered unreliable, as metrics indicate poor data quality at this position in the gnomAD database. In summary, the available evidence is currently insufficient to determine the role of this variant in disease. Therefore, it has been classified as a Variant of Uncertain Significance. Advanced modeling of protein sequence and biophysical properties (such as structural, functional, and spatial information, amino acid conservation, physicochemical variation, residue mobility, and thermodynamic stability) performed at Invitae indicates that this missense variant is not expected to disrupt MYO5A protein function. ClinVar contains an entry for this variant (Variation ID: 2144476). This variant has not been reported in the literature in individuals affected with MYO5A-related conditions. This sequence change replaces arginine, which is basic and polar, with cysteine, which is neutral and slightly polar, at codon 1178 of the MYO5A protein (p.Arg1178Cys).

Ambry Genetics
Classification: Uncertain significance for Inborn genetic diseases. Last evaluated: 2023-03-17. Review status: criteria provided, single submitter. Criteria: Ambry Variant Classification Scheme 2023. Collection method: clinical testing. Allele origin: germline.